The following is an entry in ClinVar:

ClinVar aggregate classification (germline): Likely benign (1 of 4 stars; one submission).

Submission:

Women's Health and Genetics/Laboratory Corporation of America, LabCorp
Classification: Likely benign. Last evaluated: 2026-01-19. Review status: criteria provided, single submitter. Criteria: LabCorp Variant Classification Summary - May 2015. Collection method: clinical testing. Allele origin: germline.
Comment: Variant summary: EYS c.2024-14delinsTT alters a nucleotide located at a position not widely known to affect splicing. Consensus agreement among computation tools predict no significant impact on normal splicing. However, these predictions have yet to be confirmed by functional studies. The variant was absent in 164724 control chromosomes (gnomAD). The available data on variant occurrences in the general population are insufficient to allow any conclusion about variant significance. To our knowledge, no occurrence of c.2024-14delinsTT in individuals affected with EYS-related conditions and no experimental evidence demonstrating its impact on protein function have been reported. No submitters have cited clinical-significance assessments for this variant to ClinVar. Based on the evidence outlined above, the variant was classified as likely benign.

NM_001142800.2(EYS):c.2024-14delinsTT

Gene: EYS (EGF-like photoreceptor maintenance factor; minus strand). Cytogenetic location: 6q12.
Variant type: Indel.
Coding change: c.2024-14delinsTT on transcript NM_001142800.2 (MANE Select); 14 bases into the intron before coding-DNA position 2024, C replaced by TT.
Molecular consequence: intron variant.
Genome position (GRCh38, 1-based): chr6:65,057,741, G replaced by AA on the plus strand (C replaced by TT on the coding strand, the reverse complement: EYS is on the minus strand). VCF-style: chr6-65057741-G-AA. GRCh37 (hg19) VCF-style: chr6-65767634-G-AA.
Other names: c.2024-14delinsTT (NM_001292009.2).
Identifiers: ClinVar variation 4689291 (VCV004689291.1).